The following is an entry in ClinVar:

ClinVar aggregate classification (germline): Benign (1 of 4 stars; one submission).

Conditions:
Ataxia-telangiectasia-like disorder 1 (ATLD1). Identifiers: Orphanet 251347, MedGen C4012790, MONDO:0024557, OMIM 604391.

Allele frequency attached by ClinVar (database versions not stated): 1000 Genomes Project 0.02376; 1000 Genomes Project 30x 0.02420; TOPMed 0.03875; gnomAD 0.04034 and 0.04146; gnomAD exomes 0.04712.

Submission:

Illumina Laboratory Services, Illumina
Classification: Benign for Ataxia-telangiectasia-like disorder 1. Last evaluated: 2018-01-12. Review status: criteria provided, single submitter. Criteria: ICSL Variant Classification Criteria 13 December 2019. Collection method: clinical testing. Allele origin: germline.
Comment: This variant was observed in the ICSL laboratory as part of a predisposition screen in an ostensibly healthy population. It had not been previously curated by ICSL or reported in the Human Gene Mutation Database (HGMD: prior to June 1st, 2018), and was therefore a candidate for classification through an automated scoring system. Utilizing variant allele frequency, disease prevalence and penetrance estimates, and inheritance mode, an automated score was calculated to assess if this variant is too frequent to cause the disease. Based on the score and internal cut-off values, a variant classified as benign is not then subjected to further curation. The score for this variant resulted in a classification of benign for this disease.

NM_005591.4(MRE11):c.*511G>A

Gene: MRE11 (MRE11 homolog, double strand break repair nuclease; minus strand). Cytogenetic location: 11q21.
Variant type: single nucleotide variant.
Coding change: c.*511G>A on transcript NM_005591.4 (MANE Select); 511 bases downstream of the stop codon, G replaced by A.
Molecular consequence: 3 prime UTR variant.
Genome position (GRCh38, 1-based): chr11:94,419,614, C>T on the plus strand (G>A on the coding strand, the complement: MRE11 is on the minus strand). VCF-style: chr11-94419614-C-T. GRCh37 (hg19) VCF-style: chr11-94152780-C-T.
Other names: c.*511G>A (NM_001330347.2, NM_005590.4).
Identifiers: ClinVar variation 306483 (VCV000306483.5), dbSNP rs13447749, ClinGen allele CA10631739.